The following is an entry in ClinVar:

NM_005219.5(DIAPH1):c.1496A>G (p.Gln499Arg)

Gene: DIAPH1 (diaphanous related formin 1; minus strand). Cytogenetic location: 5q31.3.
Variant type: single nucleotide variant.
Coding change: c.1496A>G on transcript NM_005219.5 (MANE Select); coding-DNA position 1496, A replaced by G.
Protein change: p.Gln499Arg; replaces glutamine 499 with arginine.
Molecular consequence: missense variant.
Genome position (GRCh38, 1-based): chr5:141,575,112, T>C on the plus strand (A>G on the coding strand, the complement: DIAPH1 is on the minus strand). VCF-style: chr5-141575112-T-C. GRCh37 (hg19) VCF-style: chr5-140954679-T-C.
Other names: c.1469A>G, p.Gln490Arg (NM_001079812.3); c.1496A>G, p.Gln499Arg (NM_001314007.2); short protein forms Q490R, Q499R.
Identifiers: ClinVar variation 1953305 (VCV001953305.5), dbSNP rs2099895761, ClinGen allele CA361524303.

ClinVar aggregate classification (germline): Uncertain significance (1 of 4 stars; one submission).

Conditions:
Autosomal dominant nonsyndromic hearing loss 1. Also called: DEAFNESS, AUTOSOMAL DOMINANT 1, WITH OR WITHOUT THROMBOCYTOPENIA; KONIGSMARK SYNDROME. Identifiers: Orphanet 90635, MedGen C1852282, MONDO:0007424, OMIM 124900.
Progressive microcephaly-seizures-cortical blindness-developmental delay syndrome. Also called: Seizures, cortical blindness, and microcephaly syndrome. Identifiers: Orphanet 477814, MedGen C5567650, MONDO:0014714, OMIM 616632.

Allele frequency attached by ClinVar (database versions not stated): gnomAD exomes below 0.00001; TOPMed below 0.00001; gnomAD 0.00001.
gnomAD v4.1: 2 of 1,614,100 alleles (0.00012%); highest among the groups gnomAD compares: Non-Finnish European, 0.00017%; no homozygotes.

Submission:

Labcorp Genetics (formerly Invitae), Labcorp
Classification: Uncertain significance for Progressive microcephaly-seizures-cortical blindness-developmental delay syndrome; Autosomal dominant nonsyndromic hearing loss 1. Last evaluated: 2022-10-21. Review status: criteria provided, single submitter. Criteria: Invitae Variant Classification Sherloc (09022015). Collection method: clinical testing. Allele origin: germline.
Comment: In summary, the available evidence is currently insufficient to determine the role of this variant in disease. Therefore, it has been classified as a Variant of Uncertain Significance. Algorithms developed to predict the effect of sequence changes on RNA splicing suggest that this variant may disrupt the consensus splice site. Algorithms developed to predict the effect of missense changes on protein structure and function are either unavailable or do not agree on the potential impact of this missense change (SIFT: "Deleterious"; PolyPhen-2: "Not Available"; Align-GVGD: "Class C0"). This variant has not been reported in the literature in individuals affected with DIAPH1-related conditions. This variant is not present in population databases (gnomAD no frequency). This sequence change replaces glutamine, which is neutral and polar, with arginine, which is basic and polar, at codon 499 of the DIAPH1 protein (p.Gln499Arg).